The following is an entry in ClinVar:

ClinVar aggregate classification (germline): Uncertain significance. Review status: criteria provided, multiple submitters, no conflicts (2 of 4 stars). 2 submissions from 2 submitters: Uncertain significance (2). Last evaluated 2024-05-05.

Conditions:
Cardiovascular phenotype. Identifiers: MedGen CN230736.
Ehlers-Danlos syndrome, kyphoscoliotic type, 2. Also called: Ehlers-Danlos syndrome with progressive kyphoscoliosis, myopathy, and hearing loss; Ehlers-Danlos syndrome, kyphoscoliotic and deafness type; FKBP14-Kyphoscoliotic Ehlers-Danlos Syndrome. Identifiers: Orphanet 300179, MedGen C3281160, MONDO:0013800, OMIM 614557.

Allele frequency attached by ClinVar (database versions not stated): TOPMed 0.00001; gnomAD 0.00002; gnomAD exomes 0.00002; ExAC 0.00004; ESP Exome Variant Server 0.00015.
gnomAD v4.1: 26 of 1,614,016 alleles (0.0016%); highest among the groups gnomAD compares: Admixed American, 0.0033%; no homozygotes.

Submissions (2):

Ambry Genetics
Classification: Uncertain significance for Cardiovascular phenotype. Last evaluated: 2024-05-05. Review status: criteria provided, single submitter. Criteria: Ambry Variant Classification Scheme 2023. Collection method: clinical testing. Allele origin: germline.
Comment: The p.I18T variant (also known as c.53T>C), located in coding exon 1 of the FKBP14 gene, results from a T to C substitution at nucleotide position 53. The isoleucine at codon 18 is replaced by threonine, an amino acid with similar properties. This amino acid position is conserved. In addition, this alteration is predicted to be tolerated by in silico analysis. Based on the available evidence, the clinical significance of this variant remains unclear.

Labcorp Genetics (formerly Invitae), Labcorp
Classification: Uncertain significance for Ehlers-Danlos syndrome, kyphoscoliotic type, 2. Last evaluated: 2024-01-15. Review status: criteria provided, single submitter. Criteria: Invitae Variant Classification Sherloc (09022015). Collection method: clinical testing. Allele origin: germline.
Comment: This sequence change replaces isoleucine, which is neutral and non-polar, with threonine, which is neutral and polar, at codon 18 of the FKBP14 protein (p.Ile18Thr). This variant is present in population databases (rs140239991, gnomAD 0.004%). This variant has not been reported in the literature in individuals affected with FKBP14-related conditions. ClinVar contains an entry for this variant (Variation ID: 2141632). An algorithm developed to predict the effect of missense changes on protein structure and function (PolyPhen-2) suggests that this variant¬†is likely to be tolerated. In summary, the available evidence is currently insufficient to determine the role of this variant in disease. Therefore, it has been classified as a Variant of Uncertain Significance.

NM_017946.4(FKBP14):c.53T>C (p.Ile18Thr)

Genes: FKBP14-AS1 (FKBP14 antisense RNA 1; plus strand), FKBP14 (FKBP prolyl isomerase 14; minus strand). Cytogenetic location: 7p14.3.
Variant type: single nucleotide variant.
Coding change: c.53T>C on transcript NM_017946.4 (MANE Select); coding-DNA position 53, T replaced by C.
Protein change: p.Ile18Thr; replaces isoleucine 18 with threonine.
Molecular consequence: missense variant. On other transcripts: non-coding transcript variant (2).
Genome position (GRCh38, 1-based): chr7:30,026,456, A>G on the plus strand (T>C on the coding strand, the complement: FKBP14 is on the minus strand). VCF-style: chr7-30026456-A-G. GRCh37 (hg19) VCF-style: chr7-30066072-A-G.
Other names: c.53T>C (NM_017946.2); short protein forms I18T.
Identifiers: ClinVar variation 2141632 (VCV002141632.3), dbSNP rs140239991, ClinGen allele CA4203516.